The following is an entry in ClinVar:

NM_001040142.2(SCN2A):c.1095G>A (p.Thr365=)

Gene: SCN2A (sodium voltage-gated channel alpha subunit 2; plus strand). Cytogenetic location: 2q24.3.
Variant type: single nucleotide variant.
Coding change: c.1095G>A on transcript NM_001040142.2 (MANE Select); coding-DNA position 1095, G replaced by A.
Protein change: p.Thr365=; no amino-acid change (threonine 365 retained).
Molecular consequence: synonymous variant.
Genome position (GRCh38, 1-based): chr2:165,313,680, G>A. VCF-style: chr2-165313680-G-A. GRCh37 (hg19) VCF-style: chr2-166170190-G-A.
Other names: c.1095G>A, p.Thr365= (NM_001040143.2, NM_001371246.1, NM_001371247.1 and 1 more transcripts).
Identifiers: ClinVar variation 533503 (VCV000533503.21), dbSNP rs2227900, ClinGen allele CA59730502.

ClinVar aggregate classification (germline): Likely benign. Review status: criteria provided, multiple submitters, no conflicts (2 of 4 stars). 3 submissions from 3 submitters: Likely benign (3). Last evaluated 2025-07-01.

Conditions:
Inborn genetic diseases. Identifiers: MedGen C0950123, MeSH D030342.
Developmental and epileptic encephalopathy, 11 (DEE11). Also called: Early infantile epileptic encephalopathy 11. Identifiers: Orphanet 1934, MedGen C3150987, MONDO:0013388, OMIM 613721.
Seizures, benign familial infantile, 3 (BFIS3). Also called: CONVULSIONS, BENIGN FAMILIAL INFANTILE, 3; Familial neonatal seizures. Identifiers: Orphanet 140927, Orphanet 306, MedGen C1843140, MONDO:0011904, OMIM 607745.

Allele frequency attached by ClinVar (database versions not stated): gnomAD 0.00001 and 0.00003.
gnomAD v4.1: 11 of 1,613,538 alleles (0.00068%); highest among the groups gnomAD compares: South Asian, 0.0011%; no homozygotes.

Submissions (3):

CeGaT Center for Human Genetics Tuebingen
Classification: Likely benign. Last evaluated: 2025-07-01. Review status: criteria provided, single submitter. Criteria: CeGaT Center For Human Genetics Tuebingen Variant Classification Criteria Version 2. Collection method: clinical testing. Allele origin: germline. Affected: yes. Observed: 1 variant allele.
Comment: SCN2A: BP4, BP7

Labcorp Genetics (formerly Invitae), Labcorp
Classification: Likely benign for Seizures, benign familial infantile, 3; Developmental and epileptic encephalopathy, 11. Last evaluated: 2024-10-30. Review status: criteria provided, single submitter. Criteria: Invitae Variant Classification Sherloc (09022015). Collection method: clinical testing. Allele origin: germline.

Ambry Genetics
Classification: Likely benign for Inborn genetic diseases. Last evaluated: 2017-04-06. Review status: criteria provided, single submitter. Criteria: Ambry Variant Classification Scheme 2023. Collection method: clinical testing. Allele origin: germline.